The following is an entry in ClinVar:

NM_024675.4(PALB2):c.1948G>A (p.Glu650Lys)

Gene: PALB2 (partner and localizer of BRCA2; minus strand). Cytogenetic location: 16p12.2.
Variant type: single nucleotide variant.
Coding change: c.1948G>A on transcript NM_024675.4 (MANE Select); coding-DNA position 1948, G replaced by A.
Protein change: p.Glu650Lys; replaces glutamic acid 650 with lysine.
Molecular consequence: missense variant.
Genome position (GRCh38, 1-based): chr16:23,630,206, C>T on the plus strand (G>A on the coding strand, the complement: PALB2 is on the minus strand). VCF-style: chr16-23630206-C-T. GRCh37 (hg19) VCF-style: chr16-23641527-C-T.
Other names: short protein forms E650K.
Identifiers: ClinVar variation 659835 (VCV000659835.14), dbSNP rs1597090662, ClinGen allele CA395127407.

ClinVar aggregate classification (germline): Uncertain significance. Review status: criteria provided, multiple submitters, no conflicts (2 of 4 stars). 2 submissions from 2 submitters: Uncertain significance (2). Last evaluated 2023-09-05.

Conditions:
Hereditary cancer-predisposing syndrome. Also called: Hereditary neoplastic syndrome; Neoplastic Syndromes, Hereditary; Hereditary Cancer Syndrome; Tumor predisposition. Identifiers: Orphanet 140162, MedGen C0027672, MeSH D009386, MONDO:0015356.
Familial cancer of breast. Also called: Hereditary breast cancer; hereditary breast carcinoma; BREAST CANCER, FAMILIAL. Identifiers: Orphanet 227535, MedGen C0346153, MONDO:0016419, OMIM 114480. Disease mechanism: loss of function.

gnomAD v4.1: 2 of 1,614,134 alleles (0.00012%); highest among the groups gnomAD compares: East Asian, 0.0022%; no homozygotes.

Submissions (2):

Labcorp Genetics (formerly Invitae), Labcorp
Classification: Uncertain significance for Familial cancer of breast. Last evaluated: 2023-09-05. Review status: criteria provided, single submitter. Criteria: Invitae Variant Classification Sherloc (09022015). Collection method: clinical testing. Allele origin: germline.
Comment: In summary, the available evidence is currently insufficient to determine the role of this variant in disease. Therefore, it has been classified as a Variant of Uncertain Significance. Advanced modeling of protein sequence and biophysical properties (such as structural, functional, and spatial information, amino acid conservation, physicochemical variation, residue mobility, and thermodynamic stability) performed at Invitae indicates that this missense variant is not expected to disrupt PALB2 protein function. ClinVar contains an entry for this variant (Variation ID: 659835). This variant has not been reported in the literature in individuals affected with PALB2-related conditions. This variant is not present in population databases (gnomAD no frequency). This sequence change replaces glutamic acid, which is acidic and polar, with lysine, which is basic and polar, at codon 650 of the PALB2 protein (p.Glu650Lys).

Ambry Genetics
Classification: Uncertain significance for Hereditary cancer-predisposing syndrome. Last evaluated: 2020-02-06. Review status: criteria provided, single submitter. Criteria: Ambry Variant Classification Scheme 2023. Collection method: clinical testing. Allele origin: germline.
Comment: The p.E650K variant (also known as c.1948G>A), located in coding exon 5 of the PALB2 gene, results from a G to A substitution at nucleotide position 1948. The glutamic acid at codon 650 is replaced by lysine, an amino acid with similar properties. This amino acid position is not well conserved in available vertebrate species. In addition, this alteration is predicted to be tolerated by in silico analysis. Since supporting evidence is limited at this time, the clinical significance of this alteration remains unclear.